The following is an entry in ClinVar:

NM_000138.5(FBN1):c.2657_2671del (p.Pro886_Cys890del)

Gene: FBN1 (fibrillin 1; minus strand). Cytogenetic location: 15q21.1.
Variant type: Deletion.
Coding change: c.2657_2671del on transcript NM_000138.5 (MANE Select); coding-DNA positions 2657 to 2671, 15 bases deleted (CGTGCACCCTATGCC).
Protein change: p.Pro886_Cys890del.
Molecular consequence: inframe indel (on NM_000138.4).
Genome position (GRCh38, 1-based): chr15:48,495,129-48,495,143, GGCATAGGGTGCACG deleted on the plus strand (CGTGCACCCTATGCC on the coding strand, the reverse complement: FBN1 is on the minus strand); deleting any 15 consecutive bases within chr15:48,495,129-48,495,146 gives the same sequence; the c. name uses the placement nearest the transcript's 3' end. VCF-style (leftmost placement, unchanged base first): chr15-48495128-TGGCATAGGGTGCACG-T. GRCh37 (hg19) VCF-style: chr15-48787325-TGGCATAGGGTGCACG-T.
Other names: c.2654_2668delGCCCGTGCACCCTAT, p.Pro886_Cys890del (NM_000138.4); c.2657_2671del, p.Pro886_Cys890del (NM_001406716.1).
Identifiers: ClinVar variation 1325482 (VCV001325482.2), dbSNP rs2141303486, ClinGen allele CA2573150798.
Genomic context (GRCh38, chr15:48,495,128, plus strand): 5'-TTTTATGCAAAGACCATTGGAGTGGTATAGGAACCACAGCATGGGTTTCTCTTACCAACT[TGGCATAGGGTGCACG>T]GGCTTCCCCACGCAGCACCGAGGGAGGAGCAGCACTGGGACTTTAAGGTGGCTCCATTGA-3'

ClinVar aggregate classification (germline): Likely pathogenic (1 of 4 stars; one submission).

Conditions:
Marfan syndrome (MFS). Also called: Marfan syndrome type 1; Marfan's syndrome; FBN1-Related Marfan Syndrome; MARFAN SYNDROME, TYPE I; Marfan syndrome, classic. Identifiers: Orphanet 284963, Orphanet 558, MedGen C0024796, MONDO:0007947, OMIM 154700.

Submission:

Centre of Medical Genetics, University of Antwerp
Classification: Likely pathogenic for Marfan syndrome. Last evaluated: 2021-03-01. Review status: criteria provided, single submitter. Criteria: Submitter's publication. Collection method: research. Allele origin: unknown. Affected: yes.
Comment: PM2, PS5, PP4